The following is an entry in ClinVar:

NM_005502.4(ABCA1):c.2716A>G (p.Lys906Glu)

Gene: ABCA1 (ATP binding cassette subfamily A member 1; minus strand). Cytogenetic location: 9q31.1.
Variant type: single nucleotide variant.
Coding change: c.2716A>G on transcript NM_005502.4 (MANE Select); coding-DNA position 2716, A replaced by G.
Protein change: p.Lys906Glu; replaces lysine 906 with glutamic acid.
Molecular consequence: missense variant.
Genome position (GRCh38, 1-based): chr9:104,822,608, T>C on the plus strand (A>G on the coding strand, the complement: ABCA1 is on the minus strand). VCF-style: chr9-104822608-T-C. GRCh37 (hg19) VCF-style: chr9-107584889-T-C.
Other names: short protein forms K906E.
Identifiers: ClinVar variation 3832411 (VCV003832411.1).

ClinVar aggregate classification (germline): Uncertain significance (1 of 4 stars; one submission).

Conditions:
Cardiovascular phenotype. Identifiers: MedGen CN230736.

gnomAD v4.1: 11 of 1,614,094 alleles (0.00068%); highest among the groups gnomAD compares: Non-Finnish European, 0.00093%; no homozygotes.

Submission:

Ambry Genetics
Classification: Uncertain significance for Cardiovascular phenotype. Last evaluated: 2024-12-20. Review status: criteria provided, single submitter. Criteria: Ambry Variant Classification Scheme 2023. Collection method: clinical testing. Allele origin: germline.
Comment: The p.K906E variant (also known as c.2716A>G), located in coding exon 18 of the ABCA1 gene, results from an A to G substitution at nucleotide position 2716. The lysine at codon 906 is replaced by glutamic acid, an amino acid with similar properties. This amino acid position is conserved. In addition, this alteration is predicted to be deleterious by in silico analysis. Based on the available evidence, the clinical significance of this variant remains unclear.